The following is an entry in ClinVar:

NC_000022.10:g.(?_37257214)_(37414773_?)dup

Genes: CIMIP4 (ciliary microtubule inner protein 4; minus strand), CSF2RB (colony stimulating factor 2 receptor subunit beta; plus strand), NCF4 (neutrophil cytosolic factor 4; plus strand), TST (thiosulfate sulfurtransferase; minus strand). Cytogenetic location: 22q12.3.
Variant type: Duplication.
Identifiers: ClinVar variation 1372877 (VCV001372877.5).

ClinVar aggregate classification (germline): Uncertain significance. Review status: criteria provided, single submitter (1 of 4 stars). 2 submissions from 1 submitter: Uncertain significance (1). 1 of the submissions does not count toward it. Last evaluated 2020-12-24.

Conditions:
Granulomatous disease, chronic, autosomal recessive, cytochrome b-positive, type 3. Also called: GRANULOMATOUS DISEASE, CHRONIC, DUE TO NCF4 DEFICIENCY; Granulomatous disease, chronic, autosomal recessive, cytochrome b-positive, type III; GRANULOMATOUS DISEASE, CHRONIC, AUTOSOMAL RECESSIVE, 3; CGD, AUTOSOMAL RECESSIVE CYTOCHROME b-POSITIVE, TYPE III. Identifiers: Orphanet 379, MedGen C3151409, MONDO:0013507, OMIM 613960.

Submissions (2):

Labcorp Genetics (formerly Invitae), Labcorp
Classification: Uncertain significance for Granulomatous disease, chronic, autosomal recessive, cytochrome b-positive, type 3. Last evaluated: 2020-12-24. Review status: criteria provided, single submitter. Criteria: Invitae Variant Classification Sherloc (09022015). Collection method: clinical testing. Allele origin: germline.
Comment: A copy number gain of the genomic region encompassing the full coding sequence of the NCF4 gene has been identified. The boundaries of this event are unknown as they extend beyond the assayed region for this gene and therefore may encompass additional genes. As the precise location of this event is unknown, it may be in tandem or it may be located elsewhere in the genome. This variant has not been reported in the literature in individuals with NCF4-related conditions. Experimental studies and prediction algorithms are not available or were not evaluated, and the functional significance of this variant is currently unknown. In summary, the available evidence is currently insufficient to determine the role of this variant in disease. Therefore, it has been classified as a Variant of Uncertain Significance.

Labcorp Genetics (formerly Invitae), Labcorp
Classification: Uncertain significance. Last evaluated: 2020-12-24. Review status: flagged submission. Criteria: Invitae Variant Classification Sherloc (09022015). Collection method: clinical testing. Allele origin: germline. Not counted in ClinVar's aggregate classification.
Comment: A copy number gain of the genomic region encompassing the full coding sequence of the CSF2RB gene has been identified. The boundaries of this event are unknown as they extend beyond the assayed region for this gene and therefore may encompass additional genes. As the precise location of this event is unknown, it may be in tandem or it may be located elsewhere in the genome. This variant has not been reported in the literature in individuals with CSF2RB-related conditions. Experimental studies and prediction algorithms are not available or were not evaluated, and the functional significance of this variant is currently unknown. In summary, the available evidence is currently insufficient to determine the role of this variant in disease. Therefore, it has been classified as a Variant of Uncertain Significance.
ClinVar note: Reason: This record appears to be redundant with a more recent record from the same submitter.
ClinVar note: Notes: SCV002142393 appears to be redundant with SCV002236133.